The following is an entry in ClinVar:

ClinVar aggregate classification (germline): Uncertain significance. Review status: criteria provided, multiple submitters, no conflicts (2 of 4 stars). 2 submissions from 2 submitters: Uncertain significance (2). Last evaluated 2022-06-04.

Conditions:
Muscular dystrophy-dystroglycanopathy (congenital with brain and eye anomalies), type a, 8 (MDDGA8). Also called: WALKER-WARBURG SYNDROME OR MUSCLE-EYE-BRAIN DISEASE, GTDC2-RELATED. Identifiers: Orphanet 899, MedGen C3553813, MONDO:0013904, OMIM 614830.
Muscular dystrophy-dystroglycanopathy (limb-girdle), type C, 8. Also called: MUSCULAR DYSTROPHY, LIMB-GIRDLE, AUTOSOMAL RECESSIVE 24; MUSCULAR DYSTROPHY-DYSTROGLYCANOPATHY, LIMB-GIRDLE, POMGNT2-RELATED. Identifiers: MedGen C4748320, MONDO:0029135, OMIM 618135.

Submissions (2):

Labcorp Genetics (formerly Invitae), Labcorp
Classification: Uncertain significance for Muscular dystrophy-dystroglycanopathy (congenital with brain and eye anomalies), type a, 8. Last evaluated: 2022-06-04. Review status: criteria provided, single submitter. Criteria: Invitae Variant Classification Sherloc (09022015). Collection method: clinical testing. Allele origin: germline.
Comment: This sequence change replaces arginine, which is basic and polar, with glutamine, which is neutral and polar, at codon 462 of the POMGNT2 protein (p.Arg462Gln). This variant is present in population databases (rs34083889, gnomAD 0.03%). This variant has not been reported in the literature in individuals affected with POMGNT2-related conditions. ClinVar contains an entry for this variant (Variation ID: 1450409). Algorithms developed to predict the effect of missense changes on protein structure and function output the following: SIFT: "Tolerated"; PolyPhen-2: "Benign"; Align-GVGD: "Class C0". The glutamine amino acid residue is found in multiple mammalian species, which suggests that this missense change does not adversely affect protein function. Algorithms developed to predict the effect of sequence changes on RNA splicing suggest that this variant may create or strengthen a splice site. In summary, the available evidence is currently insufficient to determine the role of this variant in disease. Therefore, it has been classified as a Variant of Uncertain Significance.

Fulgent Genetics
Classification: Uncertain significance for Muscular dystrophy-dystroglycanopathy (congenital with brain and eye anomalies), type a, 8; Muscular dystrophy-dystroglycanopathy (limb-girdle), type C, 8. Last evaluated: 2022-05-17. Review status: criteria provided, single submitter. Criteria: ACMG Guidelines, 2015. Collection method: clinical testing. Allele origin: unknown.

NM_032806.6(POMGNT2):c.1385G>A (p.Arg462Gln)

Gene: POMGNT2 (protein O-linked mannose N-acetylglucosaminyltransferase 2 (beta 1,4-); minus strand). Cytogenetic location: 3p22.1.
Variant type: single nucleotide variant.
Coding change: c.1385G>A on transcript NM_032806.6 (MANE Select); coding-DNA position 1385, G replaced by A.
Protein change: p.Arg462Gln; replaces arginine 462 with glutamine.
Molecular consequence: missense variant.
Genome position (GRCh38, 1-based): chr3:43,080,047, C>T on the plus strand (G>A on the coding strand, the complement: POMGNT2 is on the minus strand). VCF-style: chr3-43080047-C-T. GRCh37 (hg19) VCF-style: chr3-43121539-C-T.
Other names: short protein forms R462Q.
Identifiers: ClinVar variation 1450409 (VCV001450409.4), dbSNP rs34083889, ClinGen allele CA2339860.
Genomic context (GRCh38, chr3:43,080,047, plus strand): 5'-GGATATAGGCCGACTGTCCACTTCTGCTTCCGTGGTCCTGGCCGGCCCTTCACCACGCGC[C>T]GTATGGTTTGAATGAGGGACGGGATGTCCACCTTGGTGTCCTGGTAGATTCGGAAGAGCC-3'
Protein context (NP_116195.2, residues 452-472): VDIPSLIQTI[Arg462Gln]RVVKGRPGPR